The following is an entry in ClinVar:

ClinVar aggregate classification (germline): Uncertain significance (1 of 4 stars; one submission).

Conditions:
Vitamin K-dependent clotting factors, combined deficiency of, type 1. Also called: FACTORS II, VII, IX, AND X, COMBINED DEFICIENCY OF; FAMILIAL MULTIPLE COAGULATION FACTOR DEFICIENCY III; FMFD III; GLUTAMIC ACID, DEFICIENT GAMMA-CARBOXYLATION OF; MULTIPLE COAGULATION FACTOR DEFICIENCY III; VITAMIN K-DEPENDENT COAGULATION DEFECT. Identifiers: Orphanet 98434, MedGen C1848534, MONDO:0010187, OMIM 277450.

Allele frequency attached by ClinVar (database versions not stated): TOPMed below 0.00001; gnomAD 0.00002; gnomAD exomes 0.00002.
gnomAD v4.1: 17 of 1,613,354 alleles (0.0011%); highest among the groups gnomAD compares: Non-Finnish European, 0.00068%; no homozygotes.

Submission:

Illumina Laboratory Services, Illumina
Classification: Uncertain significance for Vitamin K-dependent clotting factors, combined deficiency of, type 1. Last evaluated: 2017-04-28. Review status: criteria provided, single submitter. Criteria: ICSL Variant Classification Criteria 13 December 2019. Collection method: clinical testing. Allele origin: germline.
Comment: This variant was observed as part of a predisposition screen in an ostensibly healthy population. A literature search was performed for the gene, cDNA change, and amino acid change (where applicable). Publications were found based on this search. However, the evidence from the literature, in combination with allele frequency data from public databases where available, was not sufficient to rule this variant in or out of causing disease. Therefore, this variant is classified as a variant of unknown significance.

Literature cited by the submitters: PubMed 17144668.

NM_000821.7(GGCX):c.1815C>G (p.Asn605Lys)

Gene: GGCX (gamma-glutamyl carboxylase; minus strand). Cytogenetic location: 2p11.2.
Variant type: single nucleotide variant.
Coding change: c.1815C>G on transcript NM_000821.7 (MANE Select); coding-DNA position 1815, C replaced by G.
Protein change: p.Asn605Lys; replaces asparagine 605 with lysine.
Molecular consequence: missense variant.
Genome position (GRCh38, 1-based): chr2:85,550,998, G>C on the plus strand (C>G on the coding strand, the complement: GGCX is on the minus strand). VCF-style: chr2-85550998-G-C. GRCh37 (hg19) VCF-style: chr2-85778121-G-C.
Other names: c.1644C>G, p.Asn548Lys (NM_001142269.4); short protein forms N605K, N548K.
Identifiers: ClinVar variation 899167 (VCV000899167.4), dbSNP rs1375142657, ClinGen allele CA347483868.